The following is an entry in ClinVar:

ClinVar aggregate classification (germline): Uncertain significance (1 of 4 stars; one submission).

Allele frequency attached by ClinVar (database versions not stated): gnomAD exomes below 0.00001.
gnomAD v4.1: 1 of 1,614,202 alleles (0.000062%); highest among the groups gnomAD compares: Middle Eastern, 0.016%; no homozygotes.

Submission:

Labcorp Genetics (formerly Invitae), Labcorp
Classification: Uncertain significance. Last evaluated: 2018-06-03. Review status: criteria provided, single submitter. Criteria: Invitae Variant Classification Sherloc (09022015). Collection method: clinical testing. Allele origin: germline.
Comment: This sequence change replaces asparagine with tyrosine at codon 379 of the GALNT12 protein (p.Asn379Tyr). The asparagine residue is highly conserved and there is a large physicochemical difference between asparagine and tyrosine. This variant is not present in population databases (ExAC no frequency). This variant has not been reported in the literature in individuals with GALNT12-related disease. Algorithms developed to predict the effect of missense changes on protein structure and function are either unavailable or do not agree on the potential impact of this missense change (SIFT: "Deleterious"; PolyPhen-2: "Probably Damaging"; Align-GVGD: "Class C15"). In summary, the available evidence is currently insufficient to determine the role of this variant in disease. Therefore, it has been classified as a Variant of Uncertain Significance.

NM_024642.5(GALNT12):c.1135A>T (p.Asn379Tyr)

Gene: GALNT12 (polypeptide N-acetylgalactosaminyltransferase 12; plus strand). Cytogenetic location: 9q22.33.
Variant type: single nucleotide variant.
Coding change: c.1135A>T on transcript NM_024642.5 (MANE Select); coding-DNA position 1135, A replaced by T.
Protein change: p.Asn379Tyr; replaces asparagine 379 with tyrosine.
Molecular consequence: missense variant.
Genome position (GRCh38, 1-based): chr9:98,837,071, A>T. VCF-style: chr9-98837071-A-T. GRCh37 (hg19) VCF-style: chr9-101599353-A-T.
Other names: short protein forms N379Y.
Identifiers: ClinVar variation 1027285 (VCV001027285.8), dbSNP rs1836171338, ClinGen allele CA374219863.